The following is an entry in ClinVar:

NM_018979.4(WNK1):c.5290G>T (p.Val1764Leu)

Gene: WNK1 (WNK lysine deficient protein kinase 1; plus strand). Cytogenetic location: 12p13.33.
Variant type: single nucleotide variant.
Coding change: c.5290G>T on transcript NM_018979.4 (MANE Select); coding-DNA position 5290, G replaced by T.
Protein change: p.Val1764Leu; replaces valine 1764 with leucine.
Molecular consequence: missense variant.
Genome position (GRCh38, 1-based): chr12:887,230, G>T. VCF-style: chr12-887230-G-T. GRCh37 (hg19) VCF-style: chr12-996396-G-T.
Other names: c.6070G>T, p.Val2024Leu (NM_001184985.2); c.4549G>T, p.Val1517Leu (NM_014823.3); c.6046G>T, p.Val2016Leu (NM_213655.5); short protein forms V1764L, V2016L, V2024L, V1517L.
Identifiers: ClinVar variation 471196 (VCV000471196.12), dbSNP rs201521760, ClinGen allele CA6383127.

ClinVar aggregate classification (germline): Uncertain significance. Review status: criteria provided, multiple submitters, no conflicts (2 of 4 stars). 2 submissions from 2 submitters: Uncertain significance (2). Last evaluated 2024-01-25.

Conditions:
Neuropathy, hereditary sensory and autonomic, type 2A (HSAN2A). Also called: HSAN IIA; WNK1-Related HSAN2 (HSAN2A); ACROOSTEOLYSIS, GIACCAI TYPE; ACROOSTEOLYSIS, NEUROGENIC; MORVAN DISEASE; NEUROPATHY, CONGENITAL SENSORY. Identifiers: Orphanet 970, MedGen C2752089, MONDO:0024309, OMIM 201300.
Pseudohypoaldosteronism type 2C (PHA2C). Also called: Pseudohypoaldosteronism Type IIC. Identifiers: Orphanet 757, Orphanet 88940, MedGen C1840391, MONDO:0013778, OMIM 614492.
Inborn genetic diseases. Identifiers: MedGen C0950123, MeSH D030342.

Allele frequency attached by ClinVar (database versions not stated): ExAC 0.00001; gnomAD 0.00001; TOPMed 0.00002.
gnomAD v4.1: 46 of 1,614,076 alleles (0.0028%); highest among the groups gnomAD compares: Non-Finnish European, 0.0037%; no homozygotes.

Submissions (2):

Labcorp Genetics (formerly Invitae), Labcorp
Classification: Uncertain significance for Neuropathy, hereditary sensory and autonomic, type 2A; Pseudohypoaldosteronism type 2C. Last evaluated: 2024-01-25. Review status: criteria provided, single submitter. Criteria: Invitae Variant Classification Sherloc (09022015). Collection method: clinical testing. Allele origin: germline.
Comment: This sequence change replaces valine, which is neutral and non-polar, with leucine, which is neutral and non-polar, at codon 2016 of the WNK1 protein (p.Val2016Leu). This variant is present in population databases (rs201521760, gnomAD 0.0009%). This variant has not been reported in the literature in individuals affected with WNK1-related conditions. ClinVar contains an entry for this variant (Variation ID: 471196). Advanced modeling of protein sequence and biophysical properties (such as structural, functional, and spatial information, amino acid conservation, physicochemical variation, residue mobility, and thermodynamic stability) performed at Invitae indicates that this missense variant is not expected to disrupt WNK1 protein function with a negative predictive value of 95%. In summary, the available evidence is currently insufficient to determine the role of this variant in disease. Therefore, it has been classified as a Variant of Uncertain Significance.

Ambry Genetics
Classification: Uncertain significance for Inborn genetic diseases. Last evaluated: 2021-03-02. Review status: criteria provided, single submitter. Criteria: Ambry Variant Classification Scheme 2023. Collection method: clinical testing. Allele origin: germline.
Comment: The p.V2016L variant (also known as c.6046G>T), located in coding exon 20 of the WNK1 gene, results from a G to T substitution at nucleotide position 6046. The valine at codon 2016 is replaced by leucine, an amino acid with highly similar properties. This amino acid position is not well conserved in available vertebrate species. In addition, this alteration is predicted to be tolerated by in silico analysis. Since supporting evidence is limited at this time, the clinical significance of this alteration remains unclear.